The following is an entry in ClinVar:

NM_015702.3(MMADHC):c.373-1G>A

Gene: MMADHC (metabolism of cobalamin associated D; minus strand). Cytogenetic location: 2q23.2.
Variant type: single nucleotide variant.
Coding change: c.373-1G>A on transcript NM_015702.3 (MANE Select); the canonical splice acceptor site of the intron before coding-DNA position 373, G replaced by A.
Molecular consequence: splice acceptor variant.
Genome position (GRCh38, 1-based): chr2:149,576,543, C>T on the plus strand (G>A on the coding strand, the complement: MMADHC is on the minus strand). VCF-style: chr2-149576543-C-T. GRCh37 (hg19) VCF-style: chr2-150433057-C-T.
Identifiers: ClinVar variation 1481293 (VCV001481293.8), dbSNP rs764179800, ClinGen allele CA348870460.
Genomic context (GRCh38, chr2:149,576,543, plus strand): 5'-GGCACTTTCAAAGTAAGTTTCTGCACTGTTAATTTCTTGTTCAACAGGTGCATCATTACC[C>T]TAAGGGGAACAAGGATATAAGTCAACAAAATCTGGAGTTCAAATAAAACGGTATCTTGCC-3'

ClinVar aggregate classification (germline): Likely pathogenic (1 of 4 stars; one submission).

Conditions:
Methylmalonic aciduria and homocystinuria type cblD (MAHCD). Also called: METHYLMALONIC ACIDEMIA, cblH TYPE; Methylmalonic aciduria with homocystinuria cblD type. Identifiers: Orphanet 622, Orphanet 79283, MedGen C1848552, MONDO:0010185, OMIM 277410.

Submission:

Labcorp Genetics (formerly Invitae), Labcorp
Classification: Likely pathogenic for Methylmalonic aciduria and homocystinuria type cblD. Last evaluated: 2021-03-08. Review status: criteria provided, single submitter. Criteria: Invitae Variant Classification Sherloc (09022015). Collection method: clinical testing. Allele origin: germline.
Comment: Algorithms developed to predict the effect of sequence changes on RNA splicing suggest that this variant may disrupt the consensus splice site, but this prediction has not been confirmed by published transcriptional studies. In summary, the currently available evidence indicates that the variant is pathogenic, but additional data are needed to prove that conclusively. Therefore, this variant has been classified as Likely Pathogenic. This variant has not been reported in the literature in individuals with MMADHC-related conditions. This variant is not present in population databases (ExAC no frequency). This sequence change affects an acceptor splice site in intron 4 of the MMADHC gene. It is expected to disrupt RNA splicing. Variants that disrupt the donor or acceptor splice site typically lead to a loss of protein function (PMID: 16199547), and loss-of-function variants in MMADHC are known to be pathogenic (PMID: 18385497).

Literature cited by the submitters: PubMed 16199547; PubMed 18385497.